The following is an entry in ClinVar:

NM_000059.4(BRCA2):c.532A>G (p.Lys178Glu)

Gene: BRCA2 (BRCA2 DNA repair associated; plus strand). Cytogenetic location: 13q13.1.
Variant type: single nucleotide variant.
Coding change: c.532A>G on transcript NM_000059.4 (MANE Select); coding-DNA position 532, A replaced by G.
Protein change: p.Lys178Glu; replaces lysine 178 with glutamic acid.
Molecular consequence: missense variant.
Genome position (GRCh38, 1-based): chr13:32,326,514, A>G. VCF-style: chr13-32326514-A-G. GRCh37 (hg19) VCF-style: chr13-32900651-A-G.
Other names: short protein forms K178E.
Identifiers: ClinVar variation 825654 (VCV000825654.14), dbSNP rs1593887312, ClinGen allele CA387757818.

ClinVar aggregate classification (germline): Uncertain significance. Review status: criteria provided, multiple submitters, no conflicts (2 of 4 stars). 3 submissions from 3 submitters: Uncertain significance (3). Last evaluated 2023-12-01.

Conditions:
Hereditary breast ovarian cancer syndrome. Also called: Hereditary breast and ovarian cancer syndrome (HBOC); BRCA1- and BRCA2-Associated Hereditary Breast and Ovarian Cancer; Hereditary breast and ovarian cancer syndrome; Breast and ovarian cancer; Hereditary breast and/or ovarian cancer syndrome; Hereditary breast and ovarian cancer. Identifiers: Orphanet 145, MedGen C0677776, MeSH D061325, MONDO:0003582. Disease mechanism: loss of function.
Breast-ovarian cancer, familial, susceptibility to, 2 (BROVCA2). Also called: BRCA2 Hereditary Breast and Ovarian Cancer. Identifiers: Orphanet 145, MedGen C2675520, MONDO:0012933, OMIM 612555. Disease mechanism: loss of function.
Hereditary cancer-predisposing syndrome. Also called: Neoplastic Syndromes, Hereditary; Hereditary Cancer Syndrome; Hereditary neoplastic syndrome; Tumor predisposition. Identifiers: Orphanet 140162, MedGen C0027672, MeSH D009386, MONDO:0015356.

Submissions (3):

All of Us Research Program, National Institutes of Health
Classification: Uncertain significance for Breast-ovarian cancer, familial, susceptibility to, 2. Last evaluated: 2023-12-01. Review status: criteria provided, single submitter. Criteria: ACMG Guidelines, 2015. Collection method: clinical testing. Allele origin: germline. Inheritance: Autosomal dominant inheritance. Observed: 2 variant alleles, 2 heterozygotes.
Comment: This missense variant replaces lysine with glutamic acid at codon 178 of the BRCA2 protein. Computational prediction suggests that this variant may not impact protein structure and function (internally defined REVEL score threshold <= 0.5, PMID: 27666373). To our knowledge, functional studies have not been reported for this variant. This variant has not been reported in individuals affected with BRCA2-related disorders in the literature. This variant has not been identified in the general population by the Genome Aggregation Database (gnomAD). The available evidence is insufficient to determine the role of this variant in disease conclusively. Therefore, this variant is classified as a Variant of Uncertain Significance.

This study involves interpretation of variants in research participants for the purpose of population health screening. Participant phenotype was not available at the time of variant classification. Additional details can be found in publication PMID: 35346344, PMCID: PMC8962531

Labcorp Genetics (formerly Invitae), Labcorp
Classification: Uncertain significance for Hereditary breast ovarian cancer syndrome. Last evaluated: 2020-03-04. Review status: criteria provided, single submitter. Criteria: Invitae Variant Classification Sherloc (09022015). Collection method: clinical testing. Allele origin: germline.
Comment: In summary, the available evidence is currently insufficient to determine the role of this variant in disease. Therefore, it has been classified as a Variant of Uncertain Significance. Algorithms developed to predict the effect of missense changes on protein structure and function are either unavailable or do not agree on the potential impact of this missense change (SIFT: "Tolerated"; PolyPhen-2: "Possibly Damaging"; Align-GVGD: "Class C0"). This variant has not been reported in the literature in individuals with BRCA2-related conditions. This variant is not present in population databases (ExAC no frequency). This sequence change replaces lysine with glutamic acid at codon 178 of the BRCA2 protein (p.Lys178Glu). The lysine residue is highly conserved and there is a small physicochemical difference between lysine and glutamic acid.

Ambry Genetics
Classification: Uncertain significance for Hereditary cancer-predisposing syndrome. Last evaluated: 2019-08-14. Review status: criteria provided, single submitter. Criteria: Ambry Variant Classification Scheme 2023. Collection method: clinical testing. Allele origin: germline.
Comment: The p.K178E variant (also known as c.532A>G), located in coding exon 6 of the BRCA2 gene, results from an A to G substitution at nucleotide position 532. The lysine at codon 178 is replaced by glutamic acid, an amino acid with similar properties. This amino acid position is well conserved in available vertebrate species. In addition, this alteration is predicted to be tolerated by in silico analysis. Since supporting evidence is limited at this time, the clinical significance of this alteration remains unclear.